The following is an entry in ClinVar:

ClinVar aggregate classification (germline): Uncertain significance (1 of 4 stars; one submission).

Allele frequency attached by ClinVar (database versions not stated): ExAC 0.00001; gnomAD exomes 0.00002; TOPMed 0.00002; gnomAD 0.00003.
gnomAD v4.1: 41 of 1,614,034 alleles (0.0025%); highest among the groups gnomAD compares: Non-Finnish European, 0.0033%; no homozygotes.

Submission:

Labcorp Genetics (formerly Invitae), Labcorp
Classification: Uncertain significance. Last evaluated: 2025-06-15. Review status: criteria provided, single submitter. Criteria: Invitae Variant Classification Sherloc (09022015). Collection method: clinical testing. Allele origin: germline.
Comment: This sequence change replaces aspartic acid, which is acidic and polar, with asparagine, which is neutral and polar, at codon 1250 of the FLNB protein (p.Asp1250Asn). This variant is present in population databases (rs763174083, gnomAD 0.002%). This variant has not been reported in the literature in individuals affected with FLNB-related conditions. ClinVar contains an entry for this variant (Variation ID: 2175534). Invitae Evidence Modeling of protein sequence and biophysical properties (such as structural, functional, and spatial information, amino acid conservation, physicochemical variation, residue mobility, and thermodynamic stability) indicates that this missense variant is not expected to disrupt FLNB protein function with a negative predictive value of 95%. In summary, the available evidence is currently insufficient to determine the role of this variant in disease. Therefore, it has been classified as a Variant of Uncertain Significance.

NM_001457.4(FLNB):c.3748G>A (p.Asp1250Asn)

Gene: FLNB (filamin B; plus strand). Cytogenetic location: 3p14.3.
Variant type: single nucleotide variant.
Coding change: c.3748G>A on transcript NM_001457.4 (MANE Select); coding-DNA position 3748, G replaced by A.
Protein change: p.Asp1250Asn; replaces aspartic acid 1250 with asparagine.
Molecular consequence: missense variant.
Genome position (GRCh38, 1-based): chr3:58,124,355, G>A. VCF-style: chr3-58124355-G-A. GRCh37 (hg19) VCF-style: chr3-58110082-G-A.
Other names: c.3748G>A, p.Asp1250Asn (NM_001164317.2, NM_001164318.2, NM_001164319.2); short protein forms D1250N.
Identifiers: ClinVar variation 2175534 (VCV002175534.4), dbSNP rs763174083, ClinGen allele CA2468526.